The following is an entry in ClinVar:

ClinVar aggregate classification (germline): Uncertain significance. Review status: criteria provided, multiple submitters, no conflicts (2 of 4 stars). 6 submissions from 6 submitters: Uncertain significance (6). Last evaluated 2026-01-19.

Conditions:
Hereditary cancer-predisposing syndrome. Also called: Hereditary Cancer Syndrome; Neoplastic Syndromes, Hereditary; Hereditary neoplastic syndrome; Tumor predisposition. Identifiers: Orphanet 140162, MedGen C0027672, MeSH D009386, MONDO:0015356.
Familial cancer of breast. Also called: BREAST CANCER, FAMILIAL; Hereditary breast cancer; hereditary breast carcinoma. Identifiers: Orphanet 227535, MedGen C0346153, MONDO:0016419, OMIM 114480. Disease mechanism: loss of function.

Allele frequency attached by ClinVar (database versions not stated): gnomAD exomes below 0.00001 and 0.00001; gnomAD 0.00001 and 0.00002; TOPMed 0.00003.
gnomAD v4.1: 21 of 1,614,040 alleles (0.0013%); highest among the groups gnomAD compares: Non-Finnish European, 0.0018%; no homozygotes.

Submissions (6):

Labcorp Genetics (formerly Invitae), Labcorp
Classification: Uncertain significance for Familial cancer of breast. Last evaluated: 2026-01-19. Review status: criteria provided, single submitter. Criteria: Invitae Variant Classification Sherloc (09022015). Collection method: clinical testing. Allele origin: germline.
Comment: This sequence change replaces threonine, which is neutral and polar, with alanine, which is neutral and non-polar, at codon 394 of the BARD1 protein (p.Thr394Ala). This variant is present in population databases (rs587782548, gnomAD 0.0009%). This variant has not been reported in the literature in individuals affected with BARD1-related conditions. ClinVar contains an entry for this variant (Variation ID: 142564). An algorithm developed to predict the effect of missense changes on protein structure and function (PolyPhen-2) suggests that this variant is likely to be tolerated. Experimental studies are conflicting or provide insufficient evidence to determine the effect of this variant on BARD1 function (PMID: 15855157). In summary, the available evidence is currently insufficient to determine the role of this variant in disease. Therefore, it has been classified as a Variant of Uncertain Significance.

Ambry Genetics
Classification: Uncertain significance for Hereditary cancer-predisposing syndrome. Last evaluated: 2025-09-27. Review status: criteria provided, single submitter. Criteria: Ambry Variant Classification Scheme 2023. Collection method: clinical testing. Allele origin: germline.
Comment: The p.T394A variant (also known as c.1180A>G), located in coding exon 4 of the BARD1 gene, results from an A to G substitution at nucleotide position 1180. The threonine at codon 394 is replaced by alanine, an amino acid with similar properties. This amino acid position is well conserved in available vertebrate species. In addition, this alteration is predicted to be tolerated by in silico analysis. Since supporting evidence is limited at this time, the clinical significance of this alteration remains unclear.

GeneDx
Classification: Uncertain significance. Last evaluated: 2024-05-20. Review status: criteria provided, single submitter. Criteria: GeneDx Variant Classification Process June 2021. Collection method: clinical testing. Allele origin: germline. Affected: yes.
Comment: Not observed at significant frequency in large population cohorts (gnomAD); In silico analysis indicates that this missense variant does not alter protein structure/function; Published functional studies demonstrate increased susceptibility to mitomycin C, suggesting a defect in DNA repair (PMID: 15855157); This variant is associated with the following publications: (PMID: 15855157)

Quest Diagnostics Nichols Institute San Juan Capistrano
Classification: Uncertain significance. Last evaluated: 2023-11-14. Review status: criteria provided, single submitter. Criteria: Quest Diagnostics criteria. Collection method: clinical testing. Allele origin: unknown.
Comment: The BARD1 c.1180A>G (p.Thr394Ala) variant has not been reported in the published literature in individuals with BARD1-related conditions. However, experimental results have provided inconclusive results on the effect of this variant on BARD1 protein function (PMID: 15855157 (2005)). The frequency of this variant in the general population, 0.000058 (3/51968 chromosomes (Genome Aggregation Database)), is uninformative in the assessment of its pathogenicity. Analysis of this variant using bioinformatics tools for the prediction of the effect of amino acid changes on protein structure and function yielded predictions that this variant is benign. Based on the available information, we are unable to determine the clinical significance of this variant.

Baylor Genetics
Classification: Uncertain significance for Familial cancer of breast. Last evaluated: 2023-08-18. Review status: criteria provided, single submitter. Criteria: ACMG Guidelines, 2015. Collection method: clinical testing. Allele origin: unknown.

Color Diagnostics, LLC DBA Color Health
Classification: Uncertain significance for Hereditary cancer-predisposing syndrome. Last evaluated: 2021-04-13. Review status: criteria provided, single submitter. Criteria: ACMG Guidelines, 2015. Collection method: clinical testing. Allele origin: germline.
Comment: This missense variant replaces threonine with alanine at codon 394 of the BARD1 protein. Computational prediction suggests that this variant may not impact protein structure and function (internally defined REVEL score threshold <= 0.5, PMID: 27666373). To our knowledge, functional studies have not been reported for this variant. This variant has not been reported in individuals affected with hereditary cancer in the literature. This variant has been identified in 1/251122 chromosomes in the general population by the Genome Aggregation Database (gnomAD). The available evidence is insufficient to determine the role of this variant in disease conclusively. Therefore, this variant is classified as a Variant of Uncertain Significance.

Literature cited by the submitters: PubMed 15855157 (cited by Labcorp Genetics (formerly Invitae), Labcorp and Quest Diagnostics Nichols Institute San Juan Capistrano); PubMed 31819260 (cited by Quest Diagnostics Nichols Institute San Juan Capistrano).

NM_000465.4(BARD1):c.1180A>G (p.Thr394Ala)

Gene: BARD1 (BRCA1 associated RING domain 1; minus strand). Cytogenetic location: 2q35.
Variant type: single nucleotide variant.
Coding change: c.1180A>G on transcript NM_000465.4 (MANE Select); coding-DNA position 1180, A replaced by G.
Protein change: p.Thr394Ala; replaces threonine 394 with alanine.
Molecular consequence: missense variant. On other transcripts: non-coding transcript variant (2), intron variant (3).
Genome position (GRCh38, 1-based): chr2:214,780,694, T>C on the plus strand (A>G on the coding strand, the complement: BARD1 is on the minus strand). VCF-style: chr2-214780694-T-C. GRCh37 (hg19) VCF-style: chr2-215645418-T-C.
Other names: c.1123A>G, p.Thr375Ala (NM_001282543.2); c.159-28139A>G (NM_001282548.2); c.215+16367A>G (NM_001282545.2); c.364+11603A>G (NM_001282549.2); short protein forms T394A, T375A.
Identifiers: ClinVar variation 142564 (VCV000142564.25), dbSNP rs587782548, ClinGen allele CA168713.